The following is an entry in ClinVar:

ClinVar aggregate classification (germline): Uncertain significance. Review status: criteria provided, multiple submitters, no conflicts (2 of 4 stars). 2 submissions from 2 submitters: Uncertain significance (2). Last evaluated 2026-06-10.

Conditions:
Cardiovascular phenotype. Identifiers: MedGen CN230736.
Hypertrophic cardiomyopathy. Also called: HYPERTROPHIC MYOCARDIOPATHY. Identifiers: Orphanet 217569, MedGen C0007194, MeSH D002312, MONDO:0005045, HP:0001639.

Allele frequency attached by ClinVar (database versions not stated): gnomAD exomes below 0.00001.
gnomAD v4.1: 2 of 1,613,962 alleles (0.00012%); highest among the groups gnomAD compares: South Asian, 0.0011%; no homozygotes.

Submissions (2):

Ambry Genetics
Classification: Uncertain significance for Cardiovascular phenotype. Last evaluated: 2026-06-10. Review status: criteria provided, single submitter. Criteria: Ambry Variant Classification Scheme 2023. Collection method: clinical testing. Allele origin: germline.

Labcorp Genetics (formerly Invitae), Labcorp
Classification: Uncertain significance for Hypertrophic cardiomyopathy. Last evaluated: 2023-12-09. Review status: criteria provided, single submitter. Criteria: Invitae Variant Classification Sherloc (09022015). Collection method: clinical testing. Allele origin: germline.
Comment: This sequence change replaces asparagine, which is neutral and polar, with serine, which is neutral and polar, at codon 104 of the MYH7 protein (p.Asn104Ser). This variant is not present in population databases (gnomAD no frequency). This variant has not been reported in the literature in individuals affected with MYH7-related conditions. ClinVar contains an entry for this variant (Variation ID: 1009156). Advanced modeling of protein sequence and biophysical properties (such as structural, functional, and spatial information, amino acid conservation, physicochemical variation, residue mobility, and thermodynamic stability) performed at Invitae indicates that this missense variant is expected to disrupt MYH7 protein function with a positive predictive value of 95%. In summary, the available evidence is currently insufficient to determine the role of this variant in disease. Therefore, it has been classified as a Variant of Uncertain Significance.

NM_000257.4(MYH7):c.311A>G (p.Asn104Ser)

Gene: MYH7 (myosin heavy chain 7; minus strand). Cytogenetic location: 14q11.2.
Variant type: single nucleotide variant.
Coding change: c.311A>G on transcript NM_000257.4 (MANE Select); coding-DNA position 311, A replaced by G.
Protein change: p.Asn104Ser; replaces asparagine 104 with serine.
Molecular consequence: missense variant.
Genome position (GRCh38, 1-based): chr14:23,433,118, T>C on the plus strand (A>G on the coding strand, the complement: MYH7 is on the minus strand). VCF-style: chr14-23433118-T-C. GRCh37 (hg19) VCF-style: chr14-23902327-T-C.
Other names: short protein forms N104S.
Identifiers: ClinVar variation 1009156 (VCV001009156.9), dbSNP rs1893015705, ClinGen allele CA389053128.